The following is an entry in ClinVar:

ClinVar aggregate classification (germline): Conflicting classifications of pathogenicity. Review status: criteria provided, conflicting classifications (1 of 4 stars). 3 submissions from 3 submitters: Uncertain significance (2); Likely benign (1). Last evaluated 2026-01-07.

gnomAD v4.1: 271 of 1,611,588 alleles (0.017%); highest among the groups gnomAD compares: East Asian, 0.056%; 2 homozygotes.

Submissions (3):

Labcorp Genetics (formerly Invitae), Labcorp
Classification: Uncertain significance. Last evaluated: 2026-01-07. Review status: criteria provided, single submitter. Criteria: Invitae Variant Classification Sherloc (09022015). Collection method: clinical testing. Allele origin: germline.
Comment: This sequence change replaces arginine, which is basic and polar, with cysteine, which is neutral and slightly polar, at codon 367 of the DIAPH3 protein (p.Arg367Cys). This variant is present in population databases (rs200549508, gnomAD 0.05%). This variant has not been reported in the literature in individuals affected with DIAPH3-related conditions. ClinVar contains an entry for this variant (Variation ID: 3501789). An algorithm developed to predict the effect of missense changes on protein structure and function (PolyPhen-2) suggests that this variant is likely to be disruptive. In summary, the available evidence is currently insufficient to determine the role of this variant in disease. Therefore, it has been classified as a Variant of Uncertain Significance.

Blueprint Genetics
Classification: Likely benign. Last evaluated: 2024-11-23. Review status: criteria provided, single submitter. Criteria: ACMG Guidelines, 2015. Collection method: clinical testing. Allele origin: germline.

Ambry Genetics
Classification: Uncertain significance. Last evaluated: 2024-10-12. Review status: criteria provided, single submitter. Criteria: Ambry Variant Classification Scheme 2023. Collection method: clinical testing. Allele origin: germline.

NM_001042517.2(DIAPH3):c.1099C>T (p.Arg367Cys)

Gene: DIAPH3 (diaphanous related formin 3; minus strand). Cytogenetic location: 13q21.2.
Variant type: single nucleotide variant.
Coding change: c.1099C>T on transcript NM_001042517.2 (MANE Select); coding-DNA position 1099, C replaced by T.
Protein change: p.Arg367Cys; replaces arginine 367 with cysteine.
Molecular consequence: missense variant.
Genome position (GRCh38, 1-based): chr13:59,992,499, G>A on the plus strand (C>T on the coding strand, the complement: DIAPH3 is on the minus strand). VCF-style: chr13-59992499-G-A. GRCh37 (hg19) VCF-style: chr13-60566633-G-A.
Other names: c.1066C>T, p.Arg356Cys (NM_001258366.2); c.961C>T, p.Arg321Cys (NM_001258367.2); c.889C>T, p.Arg297Cys (NM_001258368.2); c.1099C>T, p.Arg367Cys (NM_001258369.2); c.310C>T, p.Arg104Cys (NM_001258370.2, NM_030932.4); short protein forms R297C, R321C, R104C, R356C, R367C.
Identifiers: ClinVar variation 3501789 (VCV003501789.3).